The following is an entry in ClinVar:

NM_001267550.2(TTN):c.104174A>C (p.Asp34725Ala)

Genes: TTN (titin; minus strand), TTN-AS1 (TTN antisense RNA 1; plus strand). Cytogenetic location: 2q31.2.
Variant type: single nucleotide variant.
Coding change: c.104174A>C on transcript NM_001267550.2 (MANE Select); coding-DNA position 104174, A replaced by C.
Protein change: p.Asp34725Ala; replaces aspartic acid 34725 with alanine.
Molecular consequence: missense variant.
Genome position (GRCh38, 1-based): chr2:178,532,441, T>G on the plus strand (A>C on the coding strand, the complement: TTN is on the minus strand). VCF-style: chr2-178532441-T-G. GRCh37 (hg19) VCF-style: chr2-179397168-T-G.
Other names: c.99251A>C, p.Asp33084Ala (NM_001256850.1); c.76979A>C, p.Asp25660Ala (NM_003319.4); c.96470A>C, p.Asp32157Ala (NM_133378.4); c.77354A>C, p.Asp25785Ala (NM_133432.3); c.77555A>C, p.Asp25852Ala (NM_133437.4); short protein forms D25660A, D25785A, D25852A, D32157A, D33084A, D34725A.
Identifiers: ClinVar variation 1163221 (VCV001163221.8), dbSNP rs771698375, ClinGen allele CA349412314.

ClinVar aggregate classification (germline): Uncertain significance. Review status: criteria provided, multiple submitters, no conflicts (2 of 4 stars). 2 submissions from 2 submitters: Uncertain significance (2). Last evaluated 2025-12-09.

Conditions:
Dilated cardiomyopathy 1G (CMD1G). Identifiers: Orphanet 154, MedGen C1858763, MONDO:0011400, OMIM 604145.
Autosomal recessive limb-girdle muscular dystrophy type 2J (LGMDR10). Also called: Limb-girdle muscular dystrophy, type 2J; MUSCULAR DYSTROPHY, LIMB-GIRDLE, AUTOSOMAL RECESSIVE 10. Identifiers: Orphanet 140922, MedGen C1837342, MONDO:0012127, OMIM 608807.

gnomAD v4.1: 2 of 1,613,990 alleles (0.00012%); highest among the groups gnomAD compares: Admixed American, 0.0033%; no homozygotes.

Submissions (2):

Labcorp Genetics (formerly Invitae), Labcorp
Classification: Uncertain significance for Dilated cardiomyopathy 1G; Autosomal recessive limb-girdle muscular dystrophy type 2J. Last evaluated: 2025-12-09. Review status: criteria provided, single submitter. Criteria: Invitae Variant Classification Sherloc (09022015). Collection method: clinical testing. Allele origin: germline.
Comment: This sequence change replaces aspartic acid, which is acidic and polar, with alanine, which is neutral and non-polar, at codon 34725 of the TTN protein (p.Asp34725Ala). This variant is present in population databases (no rsID available, gnomAD 0.003%). This variant has not been reported in the literature in individuals affected with TTN-related conditions. ClinVar contains an entry for this variant (Variation ID: 1163221). Experimental studies and prediction algorithms are not available or were not evaluated, and the functional significance of this variant is currently unknown. This variant is located in the M band of TTN (PMID: 25589632). Non-truncating variants in this region may be relevant for neuromuscular disorders, but have not been definitively shown to cause cardiomyopathy (PMID: 23975875). In summary, the available evidence is currently insufficient to determine the role of this variant in disease. Therefore, it has been classified as a Variant of Uncertain Significance.

Mayo Clinic Laboratories, Mayo Clinic
Classification: Uncertain significance. Last evaluated: 2020-06-24. Review status: criteria provided, single submitter. Criteria: ACMG Guidelines, 2015. Collection method: clinical testing. Allele origin: germline. Observed: 1 variant allele.

Literature cited by the submitters: PubMed 25589632 (cited by Labcorp Genetics (formerly Invitae), Labcorp); PubMed 23975875 (cited by Labcorp Genetics (formerly Invitae), Labcorp).